The following is an entry in ClinVar:

ClinVar aggregate classification (germline): Uncertain significance. Review status: criteria provided, multiple submitters, no conflicts (2 of 4 stars). 4 submissions from 4 submitters: Uncertain significance (4). Last evaluated 2024-02-05.

Conditions:
Inborn genetic diseases. Identifiers: MedGen C0950123, MeSH D030342.
Hajdu-Cheney syndrome (HJCYS). Also called: Acroosteolysis dominant type; ACROOSTEOLYSIS WITH OSTEOPOROSIS AND CHANGES IN SKULL AND MANDIBLE; SERPENTINE FIBULA-POLYCYSTIC KIDNEY SYNDROME. Identifiers: Orphanet 955, MedGen C0917715, MONDO:0007057, OMIM 102500.
Alagille syndrome due to a NOTCH2 point mutation. Also called: Alagille syndrome 2. Identifiers: Orphanet 261629, Orphanet 52, MedGen C1857761, MONDO:0012439, OMIM 610205.

Allele frequency attached by ClinVar (database versions not stated): gnomAD exomes below 0.00001 and 0.00001; ExAC 0.00001; gnomAD 0.00002; TOPMed 0.00002.
gnomAD v4.1: 11 of 1,613,338 alleles (0.00068%); highest among the groups gnomAD compares: Non-Finnish European, 0.00093%; no homozygotes.

Submissions (4):

Ambry Genetics
Classification: Uncertain significance for Inborn genetic diseases. Last evaluated: 2024-02-05. Review status: criteria provided, single submitter. Criteria: Ambry Variant Classification Scheme 2023. Collection method: clinical testing. Allele origin: germline.

Labcorp Genetics (formerly Invitae), Labcorp
Classification: Uncertain significance for Hajdu-Cheney syndrome. Last evaluated: 2023-06-03. Review status: criteria provided, single submitter. Criteria: Invitae Variant Classification Sherloc (09022015). Collection method: clinical testing. Allele origin: germline.
Comment: Advanced modeling of protein sequence and biophysical properties (such as structural, functional, and spatial information, amino acid conservation, physicochemical variation, residue mobility, and thermodynamic stability) performed at Invitae indicates that this missense variant is expected to disrupt NOTCH2 protein function. ClinVar contains an entry for this variant (Variation ID: 597266). This variant has not been reported in the literature in individuals affected with NOTCH2-related conditions. This variant is present in population databases (rs761367735, gnomAD 0.0009%). This sequence change replaces asparagine, which is neutral and polar, with aspartic acid, which is acidic and polar, at codon 2002 of the NOTCH2 protein (p.Asn2002Asp). In summary, the available evidence is currently insufficient to determine the role of this variant in disease. Therefore, it has been classified as a Variant of Uncertain Significance.

Fulgent Genetics
Classification: Uncertain significance for Hajdu-Cheney syndrome; Alagille syndrome due to a NOTCH2 point mutation. Last evaluated: 2021-11-21. Review status: criteria provided, single submitter. Criteria: ACMG Guidelines, 2015. Collection method: clinical testing. Allele origin: unknown.

Eurofins Ntd Llc (ga)
Classification: Uncertain significance. Last evaluated: 2018-05-23. Review status: criteria provided, single submitter. Criteria: EGL ClinVar v180209 classification definitions. Collection method: clinical testing. Allele origin: germline. Observed: 1 variant allele, 1 heterozygote.

NM_024408.4(NOTCH2):c.6004A>G (p.Asn2002Asp)

Gene: NOTCH2 (notch receptor 2; minus strand). Cytogenetic location: 1p12.
Variant type: single nucleotide variant.
Coding change: c.6004A>G on transcript NM_024408.4 (MANE Select); coding-DNA position 6004, A replaced by G.
Protein change: p.Asn2002Asp; replaces asparagine 2002 with aspartic acid.
Molecular consequence: missense variant.
Genome position (GRCh38, 1-based): chr1:119,917,688, T>C on the plus strand (A>G on the coding strand, the complement: NOTCH2 is on the minus strand). VCF-style: chr1-119917688-T-C. GRCh37 (hg19) VCF-style: chr1-120460311-T-C.
Other names: c.6004A>G (NM_024408.3); short protein forms N2002D.
Identifiers: ClinVar variation 597266 (VCV000597266.12), dbSNP rs761367735, ClinGen allele CA1039522.